The following is an entry in ClinVar:

NM_014014.5(SNRNP200):c.1040T>G (p.Met347Arg)

Gene: SNRNP200 (small nuclear ribonucleoprotein U5 subunit 200; minus strand). Cytogenetic location: 2q11.2.
Variant type: single nucleotide variant.
Coding change: c.1040T>G on transcript NM_014014.5 (MANE Select); coding-DNA position 1040, T replaced by G.
Protein change: p.Met347Arg; replaces methionine 347 with arginine.
Molecular consequence: missense variant.
Genome position (GRCh38, 1-based): chr2:96,298,363, A>C on the plus strand (T>G on the coding strand, the complement: SNRNP200 is on the minus strand). VCF-style: chr2-96298363-A-C. GRCh37 (hg19) VCF-style: chr2-96964101-A-C.
Other names: short protein forms M347R.
Identifiers: ClinVar variation 2861266 (VCV002861266.3), dbSNP rs887221487, ClinGen allele CA52402575.
Genomic context (GRCh38, chr2:96,298,363, plus strand): 5'-TCGGTTTCATGAAGCTGGTAGAGGAACTTGGATAGCTCTGGGTCAGCTTCCATCTTTCCC[A>C]TAATCCTTTCCTTTTCAGCTTCACTTTGTGCACTGGCCAGCAAGGTACAGTATAAAACTA-3'
Protein context (NP_054733.2, residues 337-357): AQSEAEKERI[Met347Arg]GKMEADPELS

ClinVar aggregate classification (germline): Uncertain significance (1 of 4 stars; one submission).

Allele frequency attached by ClinVar (database versions not stated): gnomAD 0.00001; TOPMed 0.00001.
gnomAD v4.1: 17 of 1,614,098 alleles (0.0011%); highest among the groups gnomAD compares: Non-Finnish European, 0.0014%; no homozygotes.

Submission:

Labcorp Genetics (formerly Invitae), Labcorp
Classification: Uncertain significance. Last evaluated: 2023-12-13. Review status: criteria provided, single submitter. Criteria: Invitae Variant Classification Sherloc (09022015). Collection method: clinical testing. Allele origin: germline.
Comment: This sequence change replaces methionine, which is neutral and non-polar, with arginine, which is basic and polar, at codon 347 of the SNRNP200 protein (p.Met347Arg). This variant is not present in population databases (gnomAD no frequency). This variant has not been reported in the literature in individuals affected with SNRNP200-related conditions. Advanced modeling of protein sequence and biophysical properties (such as structural, functional, and spatial information, amino acid conservation, physicochemical variation, residue mobility, and thermodynamic stability) performed at Invitae indicates that this missense variant is not expected to disrupt SNRNP200 protein function with a negative predictive value of 80%. In summary, the available evidence is currently insufficient to determine the role of this variant in disease. Therefore, it has been classified as a Variant of Uncertain Significance.